The following is an entry in ClinVar:

ClinVar aggregate classification (germline): Benign/Likely benign. Review status: criteria provided, multiple submitters, no conflicts (2 of 4 stars). 4 submissions from 4 submitters: Benign (1); Likely benign (3). Last evaluated 2025-07-20.

Conditions:
Hereditary cancer-predisposing syndrome. Also called: Hereditary Cancer Syndrome; Tumor predisposition; Neoplastic Syndromes, Hereditary; Hereditary neoplastic syndrome. Identifiers: Orphanet 140162, MedGen C0027672, MeSH D009386, MONDO:0015356.
Tuberous sclerosis syndrome (TSC). Also called: Tuberous Sclerosis Complex; Tuberous sclerosis. Identifiers: Orphanet 805, MedGen C0041341, MONDO:0001734.
Tuberous sclerosis 2 (TSC2). Identifiers: Orphanet 805, MedGen C1860707, MONDO:0013199, OMIM 613254.

Allele frequency attached by ClinVar (database versions not stated): TOPMed below 0.00001; gnomAD 0.00001.
gnomAD v4.1: 3 of 1,612,758 alleles (0.00019%); highest among the groups gnomAD compares: African/African-American, 0.0013%; no homozygotes.

Submissions (4):

Color Diagnostics, LLC DBA Color Health
Classification: Likely benign for Tuberous sclerosis syndrome. Last evaluated: 2025-07-20. Review status: criteria provided, single submitter. Criteria: ACMG Guidelines, 2015. Collection method: clinical testing. Allele origin: germline.

Myriad Genetics, Inc.
Classification: Benign for Tuberous sclerosis 2. Last evaluated: 2025-05-30. Review status: criteria provided, single submitter. Criteria: Myriad Autosomal Dominant, Autosomal Recessive and X-Linked Classification Criteria (2023). Collection method: clinical testing. Allele origin: unknown.
Comment: This variant is considered benign. This variant is a silent/synonymous amino acid change and it is not expected to impact splicing.

Labcorp Genetics (formerly Invitae), Labcorp
Classification: Likely benign for Tuberous sclerosis 2. Last evaluated: 2024-12-30. Review status: criteria provided, single submitter. Criteria: Invitae Variant Classification Sherloc (09022015). Collection method: clinical testing. Allele origin: germline.

Ambry Genetics
Classification: Likely benign for Hereditary cancer-predisposing syndrome. Last evaluated: 2023-02-25. Review status: criteria provided, single submitter. Criteria: Ambry Variant Classification Scheme 2023. Collection method: clinical testing. Allele origin: germline.

NM_000548.5(TSC2):c.3625C>T (p.Leu1209=)

Gene: TSC2 (TSC complex subunit 2; plus strand). Cytogenetic location: 16p13.3.
Variant type: single nucleotide variant.
Coding change: c.3625C>T on transcript NM_000548.5 (MANE Select); coding-DNA position 3625, C replaced by T.
Protein change: p.Leu1209=; no amino-acid change (leucine 1209 retained).
Molecular consequence: synonymous variant.
Genome position (GRCh38, 1-based): chr16:2,081,609, C>T. VCF-style: chr16-2081609-C-T. GRCh37 (hg19) VCF-style: chr16-2131610-C-T.
Other names: c.3625C>T (NM_000548.3); c.3493C>T, p.Leu1165= (NM_001077183.3, NM_001370404.1); c.3625C>T, p.Leu1209= (NM_001114382.3); c.3385C>T, p.Leu1129= (NM_001318827.2); c.3349C>T, p.Leu1117= (NM_001318829.2); c.2893C>T, p.Leu965= (NM_001318831.2); c.3526C>T, p.Leu1176= (NM_001318832.2); c.3496C>T, p.Leu1166= (NM_001363528.2, NM_001370405.1, NM_021055.3).
Identifiers: ClinVar variation 1591733 (VCV001591733.12), dbSNP rs1466425189, ClinGen allele CA493042978.